The following is an entry in ClinVar:

NM_005076.5(CNTN2):c.215+6G>T

Gene: CNTN2 (contactin 2; plus strand). Cytogenetic location: 1q32.1.
Variant type: single nucleotide variant.
Coding change: c.215+6G>T on transcript NM_005076.5 (MANE Select); 6 bases into the intron after coding-DNA position 215, G replaced by T.
Molecular consequence: intron variant.
Genome position (GRCh38, 1-based): chr1:205,058,071, G>T. VCF-style: chr1-205058071-G-T. GRCh37 (hg19) VCF-style: chr1-205027199-G-T.
Other names: c.215+6G>T (NM_001346083.2).
Identifiers: ClinVar variation 2151270 (VCV002151270.2), dbSNP rs370377460, ClinGen allele CA1350955.

ClinVar aggregate classification (germline): Uncertain significance (1 of 4 stars; one submission).

Conditions:
Epilepsy, familial adult myoclonic, 5 (EPEO5). Also called: CORTICAL MYOCLONIC TREMOR WITH EPILEPSY, FAMILIAL, 5. Identifiers: Orphanet 86814, MedGen C3809374, MONDO:0014167, OMIM 615400.

gnomAD v4.1: 22 of 1,612,916 alleles (0.0014%); highest among the groups gnomAD compares: East Asian, 0.036%; no homozygotes.

Submission:

Labcorp Genetics (formerly Invitae), Labcorp
Classification: Uncertain significance for Epilepsy, familial adult myoclonic, 5. Last evaluated: 2023-05-22. Review status: criteria provided, single submitter. Criteria: Invitae Variant Classification Sherloc (09022015). Collection method: clinical testing. Allele origin: germline.
Comment: This sequence change falls in intron 3 of the CNTN2 gene. It does not directly change the encoded amino acid sequence of the CNTN2 protein. It affects a nucleotide within the consensus splice site. The frequency data for this variant in the population databases is considered unreliable, as metrics indicate poor data quality at this position in the gnomAD database. This variant has not been reported in the literature in individuals affected with CNTN2-related conditions. ClinVar contains an entry for this variant (Variation ID: 2151270). Variants that disrupt the consensus splice site are a relatively common cause of aberrant splicing (PMID: 17576681, 9536098). Algorithms developed to predict the effect of sequence changes on RNA splicing suggest that this variant is not likely to affect RNA splicing. In summary, the available evidence is currently insufficient to determine the role of this variant in disease. Therefore, it has been classified as a Variant of Uncertain Significance.

Literature cited by the submitters: PubMed 17576681; PubMed 9536098.